The following is an entry in ClinVar:

ClinVar aggregate classification (germline): Uncertain significance. Review status: criteria provided, multiple submitters, no conflicts (2 of 4 stars). 5 submissions from 5 submitters: Uncertain significance (4). 1 of the submissions does not count toward it. Last evaluated 2026-01-05.

Conditions:
Polycystic lipomembranous osteodysplasia with sclerosing leukoencephalopathy 2. Also called: TREM2-Related Polycystic Lipomembranous Osteodysplasia with Sclerosing Leukoencephalopathy. Identifiers: MedGen C4748657, MONDO:0020750, OMIM 618193.
Frontotemporal dementia (FTD1). Also called: Dementia, frontotemporal, with or without parkinsonism; Frontotemporal Dementia with Parkinsonism-17 (FTDP-17); FRONTOTEMPORAL DEMENTIA WITH PARKINSONISM; FRONTOTEMPORAL LOBE DEMENTIA; Frontotemporal lobe dementia (FLDEM); MULTIPLE SYSTEM TAUOPATHY WITH PRESENILE DEMENTIA. Identifiers: Orphanet 282, MedGen C0338451, MONDO:0017276, OMIM 600274, HP:0002145.

Allele frequency attached by ClinVar (database versions not stated): gnomAD 0.00005 and 0.00006; gnomAD exomes 0.00006; ExAC 0.00007; TOPMed 0.00007; ESP Exome Variant Server 0.00008.
gnomAD v4.1: 86 of 1,614,064 alleles (0.0053%); highest among the groups gnomAD compares: Non-Finnish European, 0.0064%; no homozygotes.

Submissions (5):

Women's Health and Genetics/Laboratory Corporation of America, LabCorp
Classification: Uncertain significance. Last evaluated: 2026-01-05. Review status: criteria provided, single submitter. Criteria: LabCorp Variant Classification Summary - May 2015. Collection method: clinical testing. Allele origin: germline.
Comment: Variant summary: TREM2 c.117C>G (p.Asp39Glu) results in a conservative amino acid change in the encoded protein sequence. Algorithms developed to predict the effect of missense changes on protein structure and function all suggest that this variant is likely to be tolerated. The variant allele was found at a frequency of 6.4e-05 in 249028 control chromosomes (gnomAD). This frequency is not significantly higher than estimated for disease-causing variants in TREM2, allowing no conclusion about variant significance. c.117C>G has been observed in individuals affected with Alzheimers disease and frontotemporal dementia (Cuyvers_2014, Landoulsi_2018, Tbuas-Pereira_2022). These reports do not provide unequivocal conclusions about association of the variant with Polycystic Lipomembranous Osteodysplasia With Sclerosing Leukoencephalopathy 2. To our knowledge, no experimental evidence demonstrating an impact on protein function has been reported. The following publications have been ascertained in the context of this evaluation (PMID: 24119542, 29723869, 35873773). ClinVar contains an entry for this variant (Variation ID: 905893). Based on the evidence outlined above, the variant was classified as uncertain significance.

Department of Pathology and Laboratory Medicine, Sinai Health System
Classification: Uncertain significance for Polycystic lipomembranous osteodysplasia with sclerosing leukoencephalopathy 2. Last evaluated: 2022-11-29. Review status: criteria provided, single submitter. Criteria: ACMG Guidelines, 2015. Collection method: research. Allele origin: germline.

Labcorp Genetics (formerly Invitae), Labcorp
Classification: Uncertain significance. Last evaluated: 2021-10-05. Review status: criteria provided, single submitter. Criteria: Invitae Variant Classification Sherloc (09022015). Collection method: clinical testing. Allele origin: germline.
Comment: This sequence change replaces aspartic acid with glutamic acid at codon 39 of the TREM2 protein (p.Asp39Glu). The aspartic acid residue is moderately conserved and there is a small physicochemical difference between aspartic acid and glutamic acid. This variant is present in population databases (rs200392967, ExAC 0.01%). This variant has been observed in individual(s) with Alzheimer‚Äôs disease (PMID: 24119542, 29723869). ClinVar contains an entry for this variant (Variation ID: 905893). Algorithms developed to predict the effect of missense changes on protein structure and function are either unavailable or do not agree on the potential impact of this missense change (SIFT: "Tolerated"; PolyPhen-2: "Possibly Damaging"; Align-GVGD: "Class C0"). In summary, the available evidence is currently insufficient to determine the role of this variant in disease. Therefore, it has been classified as a Variant of Uncertain Significance.

Illumina Laboratory Services, Illumina
Classification: Uncertain significance for Polycystic lipomembranous osteodysplasia with sclerosing leukoencephalopathy 2. Last evaluated: 2017-04-28. Review status: criteria provided, single submitter. Criteria: ICSL Variant Classification Criteria 13 December 2019. Collection method: clinical testing. Allele origin: germline.
Comment: This variant was observed as part of a predisposition screen in an ostensibly healthy population. A literature search was performed for the gene, cDNA change, and amino acid change (where applicable). Publications were found based on this search. However, the evidence from the literature, in combination with allele frequency data from public databases where available, was not sufficient to rule this variant in or out of causing disease. Therefore, this variant is classified as a variant of unknown significance.

Guerreiro-Bras Laboratory, Van Andel Institute
Classification: Likely pathogenic for Frontotemporal dementia. Last evaluated: 2022-02-02. Review status: no assertion criteria provided. Collection method: research. Allele origin: unknown. Affected: yes. Not counted in ClinVar's aggregate classification.

Literature cited by the submitters: PubMed 35873773 (cited by Women's Health and Genetics/Laboratory Corporation of America, LabCorp); PubMed 24119542 (cited by 3 submitters); PubMed 29723869 (cited by Women's Health and Genetics/Laboratory Corporation of America, LabCorp and Labcorp Genetics (formerly Invitae), Labcorp); PubMed 25186855 (cited by Illumina Laboratory Services, Illumina).

NM_018965.4(TREM2):c.117C>G (p.Asp39Glu)

Gene: TREM2 (triggering receptor expressed on myeloid cells 2; minus strand). Cytogenetic location: 6p21.1.
Variant type: single nucleotide variant.
Coding change: c.117C>G on transcript NM_018965.4 (MANE Select); coding-DNA position 117, C replaced by G.
Protein change: p.Asp39Glu; replaces aspartic acid 39 with glutamic acid.
Molecular consequence: missense variant.
Genome position (GRCh38, 1-based): chr6:41,161,537, G>C on the plus strand (C>G on the coding strand, the complement: TREM2 is on the minus strand). VCF-style: chr6-41161537-G-C. GRCh37 (hg19) VCF-style: chr6-41129275-G-C.
Other names: c.117C>G, p.Asp39Glu (NM_001271821.2); short protein forms D39E.
Identifiers: ClinVar variation 905893 (VCV000905893.9), dbSNP rs200392967, ClinGen allele CA3798963.